The following is an entry in ClinVar:

ClinVar aggregate classification (germline): Benign. Review status: criteria provided, multiple submitters, no conflicts (2 of 4 stars). 6 submissions from 6 submitters: Benign (6). Last evaluated 2026-02-04.

Conditions:
Myoglobinuria, acute recurrent, autosomal recessive. Also called: MYOGLOBINURIA, FAMILIAL PAROXYSMAL PARALYTIC; RHABDOMYOLYSIS, ACUTE RECURRENT; Myoglobinuria, recurrent, autosomal recessive. Identifiers: Orphanet 99845, MedGen C1849386, MONDO:0009992, OMIM 268200.

Allele frequency attached by ClinVar (database versions not stated): gnomAD 0.06278 and 0.06723; gnomAD exomes 0.01742 and 0.00677; 1000 Genomes Project 0.06849; TOPMed 0.07174; 1000 Genomes Project 30x 0.07402; ESP Exome Variant Server 0.07312; ExAC 0.02120.
gnomAD v4.1: 19,814 of 1,612,766 alleles (1.2%); highest among the groups gnomAD compares: African/African-American, 22%; 1,903 homozygotes.

Submissions (6):

Labcorp Genetics (formerly Invitae), Labcorp
Classification: Benign. Last evaluated: 2026-02-04. Review status: criteria provided, single submitter. Criteria: Invitae Variant Classification Sherloc (09022015). Collection method: clinical testing. Allele origin: germline.

Mayo Clinic Laboratories, Mayo Clinic
Classification: Benign. Last evaluated: 2021-11-25. Review status: criteria provided, single submitter. Criteria: ACMG Guidelines, 2015. Collection method: clinical testing. Allele origin: germline. Observed: 68 variant alleles.

Illumina Laboratory Services, Illumina
Classification: Benign for Myoglobinuria, acute recurrent, autosomal recessive. Last evaluated: 2018-01-12. Review status: criteria provided, single submitter. Criteria: ICSL Variant Classification Criteria 13 December 2019. Collection method: clinical testing. Allele origin: germline.
Comment: This variant was observed in the ICSL laboratory as part of a predisposition screen in an ostensibly healthy population. It had not been previously curated by ICSL or reported in the Human Gene Mutation Database (HGMD: prior to June 1st, 2018), and was therefore a candidate for classification through an automated scoring system. Utilizing variant allele frequency, disease prevalence and penetrance estimates, and inheritance mode, an automated score was calculated to assess if this variant is too frequent to cause the disease. Based on the score and internal cut-off values, a variant classified as benign is not then subjected to further curation. The score for this variant resulted in a classification of benign for this disease.

GeneDx
Classification: Benign. Last evaluated: 2017-04-10. Review status: criteria provided, single submitter. Criteria: GeneDx Variant Classification (06012015). Collection method: clinical testing. Allele origin: germline. Affected: yes.
Comment: This variant is considered likely benign or benign based on one or more of the following criteria: it is a conservative change, it occurs at a poorly conserved position in the protein, it is predicted to be benign by multiple in silico algorithms, and/or has population frequency not consistent with disease.

Breakthrough Genomics
Classification: Benign. Review status: criteria provided, single submitter. Criteria: ACMG Guidelines, 2015. Collection method: not provided. Allele origin: germline. Inheritance: Autosomal recessive inheritance. Affected: yes.

PreventionGenetics, part of Exact Sciences
Classification: Benign. Review status: criteria provided, single submitter. Criteria: ACMG Guidelines, 2015. Collection method: clinical testing. Allele origin: germline.

NM_001349206.2(LPIN1):c.657G>A (p.Leu219=)

Gene: LPIN1 (lipin 1; plus strand). Cytogenetic location: 2p25.1.
Variant type: single nucleotide variant.
Coding change: c.657G>A on transcript NM_001349206.2 (MANE Select); coding-DNA position 657, G replaced by A.
Protein change: p.Leu219=; no amino-acid change (leucine 219 retained).
Molecular consequence: synonymous variant. On other transcripts: non-coding transcript variant (1).
Genome position (GRCh38, 1-based): chr2:11,773,680, G>A. VCF-style: chr2-11773680-G-A. GRCh37 (hg19) VCF-style: chr2-11913806-G-A.
Other names: p.Leu219=; c.675G>A, p.Leu225= (NM_001261427.3); c.804G>A, p.Leu268= (NM_001261428.3, NM_001349208.2); c.657G>A, p.Leu219= (NM_001349199.2, NM_001349200.2, NM_001349201.2 and 5 more transcripts); c.747G>A, p.Leu249= (NM_001349207.2).
Identifiers: ClinVar variation 262595 (VCV000262595.15), dbSNP rs59909741, ClinGen allele CA1533479.